The following is an entry in ClinVar:

NM_001164508.2(NEB):c.11954A>G (p.Tyr3985Cys)

Gene: NEB (nebulin; minus strand). Cytogenetic location: 2q23.3.
Variant type: single nucleotide variant.
Coding change: c.11954A>G on transcript NM_001164508.2 (MANE Select); coding-DNA position 11954, A replaced by G.
Protein change: p.Tyr3985Cys; replaces tyrosine 3985 with cysteine.
Molecular consequence: missense variant.
Genome position (GRCh38, 1-based): chr2:151,610,580, T>C on the plus strand (A>G on the coding strand, the complement: NEB is on the minus strand). VCF-style: chr2-151610580-T-C. GRCh37 (hg19) VCF-style: chr2-152467094-T-C.
Other names: c.11954A>G, p.Tyr3985Cys (NM_001164507.2, NM_001271208.2); c.11225A>G, p.Tyr3742Cys (NM_004543.5); short protein forms Y3985C, Y3742C.
Identifiers: ClinVar variation 552058 (VCV000552058.13), dbSNP rs745504838, ClinGen allele CA1908624.
Genomic context (GRCh38, chr2:151,610,580, plus strand): 5'-CTGGCGATGTCCCTGGAGGCCTTGGCACTTTTGATGGAAATAGCATCTGCTCTCAGATCA[T>C]AGTCCTTCATCTTTGATTCATCCCATCCCTTGGTGTAAAGTTTCTAGGGAAGGGATAATA-3'
Protein context (NP_001157980.2, residues 3975-3995): KGWDESKMKD[Tyr3985Cys]DLRADAISIK

ClinVar aggregate classification (germline): Conflicting classifications of pathogenicity. Review status: criteria provided, conflicting classifications (1 of 4 stars). 4 submissions from 4 submitters: Uncertain significance (1); Likely benign (1). 2 of the submissions do not count toward it. Last evaluated 2026-10-13.

Conditions:
Nemaline myopathy 2 (NEM2). Also called: Nemaline myopathy 2, autosomal recessive. Identifiers: MedGen C1850569, MONDO:0009725, OMIM 256030.

Allele frequency attached by ClinVar (database versions not stated): ExAC 0.00001; gnomAD 0.00001; TOPMed 0.00001; gnomAD exomes 0.00002.
gnomAD v4.1: 33 of 1,613,834 alleles (0.002%); highest among the groups gnomAD compares: Middle Eastern, 0.033%; no homozygotes.

Submissions (4):

GeneDx
Classification: Uncertain significance. Last evaluated: 2026-10-13. Review status: criteria provided, single submitter. Criteria: GeneDx Variant Classification Process June 2021. Collection method: clinical testing. Allele origin: germline.
Comment: Reported as a single heterozygous variant in a proband with hypertrophic cardiomyopathy (PMID: 26573135); Not observed at significant frequency in large population cohorts (gnomAD); In silico analysis supports that this missense variant has a deleterious effect on protein structure/function; This variant is associated with the following publications: (PMID: 26573135)

Labcorp Genetics (formerly Invitae), Labcorp
Classification: Likely benign for Nemaline myopathy 2. Last evaluated: 2024-12-19. Review status: criteria provided, single submitter. Criteria: Invitae Variant Classification Sherloc (09022015). Collection method: clinical testing. Allele origin: germline.

Natera, Inc.
Classification: Uncertain significance for Nemaline myopathy type 2. Last evaluated: 2021-01-16. Review status: no assertion criteria provided. Collection method: clinical testing. Allele origin: germline. Not counted in ClinVar's aggregate classification.

Counsyl
Classification: Uncertain significance for Nemaline myopathy 2. Last evaluated: 2017-05-19. Review status: no assertion criteria provided. Collection method: clinical testing. Allele origin: unknown. Not counted in ClinVar's aggregate classification.

Literature cited by the submitters: PubMed 26573135 (cited by Counsyl).